The following is an entry in ClinVar:

NM_016169.4(SUFU):c.183-49G>C

Gene: SUFU (SUFU negative regulator of hedgehog signaling; plus strand). Cytogenetic location: 10q24.32.
Variant type: single nucleotide variant.
Coding change: c.183-49G>C on transcript NM_016169.4 (MANE Select); 49 bases into the intron before coding-DNA position 183, G replaced by C.
Molecular consequence: intron variant.
Genome position (GRCh38, 1-based): chr10:102,509,120, G>C. VCF-style: chr10-102509120-G-C. GRCh37 (hg19) VCF-style: chr10-104268877-G-C.
Other names: c.183-49G>C (NM_001178133.2).
Identifiers: ClinVar variation 677129 (VCV000677129.2), dbSNP rs2281879, ClinGen allele CA5667619.

ClinVar aggregate classification (germline): Benign. Review status: criteria provided, multiple submitters, no conflicts (2 of 4 stars). 2 submissions from 2 submitters: Benign (2). Last evaluated 2018-06-18.

Allele frequency attached by ClinVar (database versions not stated): 1000 Genomes Project 0.31729; 1000 Genomes Project 30x 0.32230; TOPMed 0.35427; ESP Exome Variant Server 0.35568.
gnomAD v4.1: 557,827 of 1,611,914 alleles (35%); highest among the groups gnomAD compares: Admixed American, 40%; 97,664 homozygotes.

Submissions (2):

GeneDx
Classification: Benign. Last evaluated: 2018-06-18. Review status: criteria provided, single submitter. Criteria: GeneDx Variant Classification (06012015). Collection method: clinical testing. Allele origin: germline. Affected: yes.
Comment: This variant is considered likely benign or benign based on one or more of the following criteria: it is a conservative change, it occurs at a poorly conserved position in the protein, it is predicted to be benign by multiple in silico algorithms, and/or has population frequency not consistent with disease.

Breakthrough Genomics
Classification: Benign. Review status: criteria provided, single submitter. Criteria: ACMG Guidelines, 2015. Collection method: not provided. Allele origin: germline. Inheritance: Autosomal recessive inheritance. Affected: yes.